The following is an entry in ClinVar:

NM_014946.4(SPAST):c.1537A>T (p.Thr513Ser)

Gene: SPAST (spastin; plus strand). Cytogenetic location: 2p22.3.
Variant type: single nucleotide variant.
Coding change: c.1537A>T on transcript NM_014946.4 (MANE Select); coding-DNA position 1537, A replaced by T.
Protein change: p.Thr513Ser; replaces threonine 513 with serine.
Molecular consequence: missense variant.
Genome position (GRCh38, 1-based): chr2:32,143,336, A>T. VCF-style: chr2-32143336-A-T. GRCh37 (hg19) VCF-style: chr2-32368405-A-T.
Other names: c.1441A>T, p.Thr481Ser (NM_199436.2, NM_001377959.1); c.1534A>T, p.Thr512Ser (NM_001363823.2); c.1438A>T, p.Thr480Ser (NM_001363875.2); short protein forms T513S, T480S, T512S, T481S.
Identifiers: ClinVar variation 536438 (VCV000536438.8), dbSNP rs1553319281, ClinGen allele CA346503573.

ClinVar aggregate classification (germline): Uncertain significance (1 of 4 stars; one submission).

Conditions:
Hereditary spastic paraplegia 4. Also called: Spastic Paraplegia 4; Familial spastic paraplegia autosomal dominant 2; Spastic paraplegia 4, autosomal dominant. Identifiers: Orphanet 100985, MedGen C1866855, MONDO:0008438, OMIM 182601.

Submission:

Labcorp Genetics (formerly Invitae), Labcorp
Classification: Uncertain significance for Hereditary spastic paraplegia 4. Last evaluated: 2017-11-11. Review status: criteria provided, single submitter. Criteria: Invitae Variant Classification Sherloc (09022015). Collection method: clinical testing. Allele origin: germline.
Comment: In summary, the available evidence is currently insufficient to determine the role of this variant in disease. Therefore, it has been classified as a Variant of Uncertain Significance. Algorithms developed to predict the effect of missense changes on protein structure and function do not agree on the potential impact of this missense change (SIFT: "Tolerated"; PolyPhen-2: "Possibly Damaging"; Align-GVGD: "Class C0"). This variant has not been reported in the literature in individuals with SPAST-related disease. This variant is not present in population databases (ExAC no frequency). This sequence change replaces threonine with serine at codon 513 of the SPAST protein (p.Thr513Ser). The threonine residue is highly conserved and there is a small physicochemical difference between threonine and serine.